The following is an entry in ClinVar:

NM_000321.3(RB1):c.2484A>G (p.Arg828=)

Gene: RB1 (RB transcriptional corepressor 1; plus strand). Cytogenetic location: 13q14.2.
Variant type: single nucleotide variant.
Coding change: c.2484A>G on transcript NM_000321.3 (MANE Select); coding-DNA position 2484, A replaced by G.
Protein change: p.Arg828=; no amino-acid change (arginine 828 retained).
Molecular consequence: synonymous variant.
Genome position (GRCh38, 1-based): chr13:48,465,363, A>G. VCF-style: chr13-48465363-A-G. GRCh37 (hg19) VCF-style: chr13-49039499-A-G.
Identifiers: ClinVar variation 949928 (VCV000949928.12), dbSNP rs1949433985, ClinGen allele CA483740429.
Genomic context (GRCh38, chr13:48,465,363, plus strand): 5'-CCTGAAGAGTCCATATAAAATTTCAGAAGGTCTGCCAACACCAACAAAAATGACTCCAAG[A>G]TCAAGGTGTGTGTTTTCTCTTTAGGGAAGTAGTAAAGAATGAGAGGGGGATTATTTTGAT-3'
Protein context (NP_000312.2, residues 818-838): GLPTPTKMTP[Arg828=]SRILVSIGES

ClinVar aggregate classification (germline): Benign/Likely benign. Review status: criteria provided, multiple submitters, no conflicts (2 of 4 stars). 4 submissions from 4 submitters: Benign (1); Likely benign (3). Last evaluated 2026-06-25.

Conditions:
Hereditary cancer-predisposing syndrome. Also called: Tumor predisposition; Hereditary Cancer Syndrome; Hereditary neoplastic syndrome; Neoplastic Syndromes, Hereditary. Identifiers: Orphanet 140162, MedGen C0027672, MeSH D009386, MONDO:0015356.
Retinoblastoma (RB1). Also called: RETINOBLASTOMA, SOMATIC. Identifiers: Orphanet 790, MedGen C0035335, MeSH D012175, MONDO:0008380, OMIM 180200, HP:0009919. Disease mechanism: loss of function. Inheritance: Both sporadic and heritable forms are tested..

Allele frequency attached by ClinVar (database versions not stated): gnomAD exomes below 0.00001.
gnomAD v4.1: 4 of 1,599,810 alleles (0.00025%); highest among the groups gnomAD compares: Non-Finnish European, 0.00034%; no homozygotes.

Submissions (4):

Myriad Genetics, Inc.
Classification: Benign for Retinoblastoma. Last evaluated: 2026-06-25. Review status: criteria provided, single submitter. Criteria: Myriad Autosomal Dominant, Autosomal Recessive and X-Linked Classification Criteria (2023). Collection method: clinical testing. Allele origin: unknown.
Comment: This variant is considered benign. This variant is a silent/synonymous amino acid change and it is not expected to impact splicing.

Color Diagnostics, LLC DBA Color Health
Classification: Likely benign for Retinoblastoma. Last evaluated: 2025-08-30. Review status: criteria provided, single submitter. Criteria: ACMG Guidelines, 2015. Collection method: clinical testing. Allele origin: germline.

Labcorp Genetics (formerly Invitae), Labcorp
Classification: Likely benign for Retinoblastoma. Last evaluated: 2025-02-19. Review status: criteria provided, single submitter. Criteria: Invitae Variant Classification Sherloc (09022015). Collection method: clinical testing. Allele origin: germline.

Ambry Genetics
Classification: Likely benign for Hereditary cancer-predisposing syndrome. Last evaluated: 2023-04-07. Review status: criteria provided, single submitter. Criteria: Ambry Variant Classification Scheme 2023. Collection method: clinical testing. Allele origin: germline.